The following is an entry in ClinVar:

ClinVar aggregate classification (germline): Conflicting classifications of pathogenicity. Review status: criteria provided, conflicting classifications (1 of 4 stars). 4 submissions from 4 submitters: Uncertain significance (2); Likely benign (2). Last evaluated 2025-02-16.

Conditions:
Floating-Harbor syndrome (FLHS). Also called: Short stature with delayed bone age, expressive language delay, a triangular face with a prominent nose and deep-set eyes; Pelletier-Leisti syndrome; SRCAP-Related Floating-Harbor Syndrome. Identifiers: Orphanet 2044, MedGen C0729582, MONDO:0007621, OMIM 136140.
Developmental delay, hypotonia, musculoskeletal defects, and behavioral abnormalities. Identifiers: MedGen C5562012, MONDO:0859202, OMIM 619595.

Allele frequency attached by ClinVar (database versions not stated): ExAC 0.00001; TOPMed 0.00001.

Submissions (4):

Laboratory of Genetics, Children's Clinical University Hospital Latvia
Classification: Likely benign. Last evaluated: 2025-02-16. Review status: criteria provided, single submitter. Criteria: ACMG Guidelines, 2015. Collection method: clinical testing. Allele origin: germline. Affected: yes.

Labcorp Genetics (formerly Invitae), Labcorp
Classification: Uncertain significance. Last evaluated: 2024-09-09. Review status: criteria provided, single submitter. Criteria: Invitae Variant Classification Sherloc (09022015). Collection method: clinical testing. Allele origin: germline.
Comment: This sequence change replaces lysine, which is basic and polar, with threonine, which is neutral and polar, at codon 380 of the SRCAP protein (p.Lys380Thr). This variant is present in population databases (rs748559430, gnomAD 0.0009%). This variant has not been reported in the literature in individuals affected with SRCAP-related conditions. Invitae Evidence Modeling of protein sequence and biophysical properties (such as structural, functional, and spatial information, amino acid conservation, physicochemical variation, residue mobility, and thermodynamic stability) indicates that this missense variant is not expected to disrupt SRCAP protein function with a negative predictive value of 80%. In summary, the available evidence is currently insufficient to determine the role of this variant in disease. Therefore, it has been classified as a Variant of Uncertain Significance.

CeGaT Center for Human Genetics Tuebingen
Classification: Likely benign. Last evaluated: 2024-08-01. Review status: criteria provided, single submitter. Criteria: CeGaT Center For Human Genetics Tuebingen Variant Classification Criteria Version 2. Collection method: clinical testing. Allele origin: germline. Affected: yes. Observed: 1 variant allele.
Comment: SRCAP: BP4

Fulgent Genetics
Classification: Uncertain significance for Floating-Harbor syndrome; Developmental delay, hypotonia, musculoskeletal defects, and behavioral abnormalities. Last evaluated: 2024-06-04. Review status: criteria provided, single submitter. Criteria: ACMG Guidelines, 2015. Collection method: clinical testing. Allele origin: germline.

NM_006662.3(SRCAP):c.1139A>C (p.Lys380Thr)

Gene: SRCAP (Snf2 related CREBBP activator protein; plus strand). Cytogenetic location: 16p11.2.
Variant type: single nucleotide variant.
Coding change: c.1139A>C on transcript NM_006662.3 (MANE Select); coding-DNA position 1139, A replaced by C.
Protein change: p.Lys380Thr; replaces lysine 380 with threonine.
Molecular consequence: missense variant.
Genome position (GRCh38, 1-based): chr16:30,710,758, A>C. VCF-style: chr16-30710758-A-C. GRCh37 (hg19) VCF-style: chr16-30722079-A-C.
Other names: short protein forms K380T.
Identifiers: ClinVar variation 2882587 (VCV002882587.21), dbSNP rs748559430, ClinGen allele CA8010890.